The following is an entry in ClinVar:

ClinVar aggregate classification (germline): Likely benign (1 of 4 stars; one submission).

Allele frequency attached by ClinVar (database versions not stated): 1000 Genomes Project 30x 0.00437; 1000 Genomes Project 0.00479; gnomAD 0.00527; TOPMed 0.00596.
gnomAD v4.1: 1,325 of 1,016,464 alleles (0.13%); highest among the groups gnomAD compares: African/African-American, 1.9%; 11 homozygotes.

Submission:

GeneDx
Classification: Likely benign. Last evaluated: 2021-05-26. Review status: criteria provided, single submitter. Criteria: GeneDx Variant Classification Process June 2021. Collection method: clinical testing. Allele origin: germline. Affected: yes.
Comment: See Variant Classification Assertion Criteria.

NM_006765.4(TUSC3):c.568-124C>T

Gene: TUSC3 (tumor suppressor candidate 3; plus strand). Cytogenetic location: 8p22.
Variant type: single nucleotide variant.
Coding change: c.568-124C>T on transcript NM_006765.4 (MANE Select); 124 bases into the intron before coding-DNA position 568, C replaced by T.
Molecular consequence: intron variant.
Genome position (GRCh38, 1-based): chr8:15,662,032, C>T. VCF-style: chr8-15662032-C-T. GRCh37 (hg19) VCF-style: chr8-15519541-C-T.
Other names: c.568-124C>T (NM_178234.2, NM_001356429.2).
Identifiers: ClinVar variation 1706863 (VCV001706863.2), dbSNP rs147640889, ClinGen allele CA172872366.